The following is an entry in ClinVar:

ClinVar aggregate classification (germline): Uncertain significance (1 of 4 stars; one submission).

Conditions:
Ehlers-Danlos syndrome, classic type, 1 (EDSCL1). Also called: EDS I; EHLERS-DANLOS SYNDROME, GRAVIS TYPE; EHLERS-DANLOS SYNDROME, SEVERE CLASSIC TYPE; Ehlers-Danlos syndrome, type 1; Ehlers-Danlos Syndrome, Classic Type, COL5A1-Related. Identifiers: MedGen C0268335, MONDO:0019567, OMIM 130000.
Osteogenesis imperfecta type I (OI1). Also called: Classic Non-deforming Osteogenesis Imperfecta with Blue Sclerae; OI, TYPE I; OSTEOGENESIS IMPERFECTA TARDA; OSTEOGENESIS IMPERFECTA WITH BLUE SCLERAE; Osteogenesis imperfecta type 1; Lobstein's Disease. Identifiers: Orphanet 216796, Orphanet 666, MedGen C0023931, MONDO:0008146, OMIM 166200. Disease mechanism: loss of function.

Allele frequency attached by ClinVar (database versions not stated): gnomAD 0.00001.

Submission:

Labcorp Genetics (formerly Invitae), Labcorp
Classification: Uncertain significance for Osteogenesis imperfecta type I; Ehlers-Danlos syndrome, classic type, 1. Last evaluated: 2022-04-08. Review status: criteria provided, single submitter. Criteria: Invitae Variant Classification Sherloc (09022015). Collection method: clinical testing. Allele origin: germline.
Comment: In summary, the available evidence is currently insufficient to determine the role of this variant in disease. Therefore, it has been classified as a Variant of Uncertain Significance. Algorithms developed to predict the effect of missense changes on protein structure and function are either unavailable or do not agree on the potential impact of this missense change (SIFT: "Deleterious"; PolyPhen-2: "Not Available"; Align-GVGD: "Class C65"). This variant has not been reported in the literature in individuals affected with COL1A2-related conditions. This variant is present in population databases (no rsID available, gnomAD 0.002%). This sequence change replaces arginine, which is basic and polar, with glycine, which is neutral and non-polar, at codon 777 of the COL1A2 protein (p.Arg777Gly).

NM_000089.4(COL1A2):c.2329C>G (p.Arg777Gly)

Gene: COL1A2 (collagen type I alpha 2 chain; plus strand). Cytogenetic location: 7q21.3.
Variant type: single nucleotide variant.
Coding change: c.2329C>G on transcript NM_000089.4 (MANE Select); coding-DNA position 2329, C replaced by G.
Protein change: p.Arg777Gly; replaces arginine 777 with glycine.
Molecular consequence: missense variant.
Genome position (GRCh38, 1-based): chr7:94,421,042, C>G. VCF-style: chr7-94421042-C-G. GRCh37 (hg19) VCF-style: chr7-94050354-C-G.
Other names: short protein forms R777G.
Identifiers: ClinVar variation 2417679 (VCV002417679.5), dbSNP rs779108678, ClinGen allele CA368223716.